The following is an entry in ClinVar:

ClinVar aggregate classification (germline): Uncertain significance (1 of 4 stars; one submission).

Submission:

GeneDx
Classification: Uncertain significance. Last evaluated: 2024-06-13. Review status: criteria provided, single submitter. Criteria: GeneDx Variant Classification Process June 2021. Collection method: clinical testing. Allele origin: germline. Affected: yes.
Comment: Not observed at significant frequency in large population cohorts (gnomAD); In silico analysis indicates that this variant does not alter protein structure/function; Has not been previously published as pathogenic or benign to our knowledge; Variants in candidate genes are classified as variants of uncertain significance in accordance with ACMG guidelines (PMID: 25741868)

NM_144666.3(DNHD1):c.8759AGG[1] (p.Glu2921del)

Gene: DNHD1 (dynein heavy chain domain 1; plus strand). Cytogenetic location: 11p15.4.
Variant type: Microsatellite.
Coding change: c.8759AGG[1] on transcript NM_144666.3 (MANE Select); one copy of the 3-base unit AGG starting at c.8759; the reference has two copies in a row; one copy, 3 bases deleted.
Protein change: p.Glu2921del; deletes glutamic acid 2921.
Genome position (GRCh38, 1-based): chr11:6,558,057-6,558,059, AGG deleted; deleting any 3 consecutive bases within chr11:6,558,053-6,558,059 gives the same sequence; the position shown is the placement nearest the transcript's 3' end. VCF-style (leftmost placement, unchanged base first): chr11-6558052-AGAG-A. GRCh37 (hg19) VCF-style: chr11-6579282-AGAG-A.
Other names: short protein forms E2921del.
Identifiers: ClinVar variation 3390742 (VCV003390742.1).
Genomic context (GRCh38, chr11:6,558,052, plus strand): 5'-TGCCATCACTCTGGCTTCTAGCATTTGTCAGGCCCATTTCTTTCATCTACCATCTGGGTC[AGAG>A]GAGGCCATTCTCCAATGTCTACGAGATGCCAGCTGGCATGCTGGCATGTTAAGCCAGCCA-3'